The following is an entry in ClinVar:

NM_001384125.1(BLTP1):c.5784T>C (p.Gly1928=)

Gene: BLTP1 (bridge-like lipid transfer protein family member 1; plus strand). Cytogenetic location: 4q27.
Variant type: single nucleotide variant.
Coding change: c.5784T>C on transcript NM_001384125.1 (MANE Select); coding-DNA position 5784, T replaced by C.
Protein change: p.Gly1928=; no amino-acid change (glycine 1928 retained).
Molecular consequence: synonymous variant.
Genome position (GRCh38, 1-based): chr4:122,250,435, T>C. VCF-style: chr4-122250435-T-C. GRCh37 (hg19) VCF-style: chr4-123171590-T-C.
Other names: c.5784T>C, p.Gly1928= (NM_015312.4).
Identifiers: ClinVar variation 3039445 (VCV003039445.17), dbSNP rs145212973, ClinGen allele CA3066689.

ClinVar aggregate classification (germline): Likely benign. Review status: criteria provided, multiple submitters, no conflicts (2 of 4 stars). 3 submissions from 3 submitters: Likely benign (2). 1 of the submissions does not count toward it. Last evaluated 2024-10-22.

Conditions:
BLTP1-related disorder. Also called: BLTP1-related condition.

Allele frequency attached by ClinVar (database versions not stated): gnomAD exomes 0.00037; ExAC 0.00109; 1000 Genomes Project 0.00260; 1000 Genomes Project 30x 0.00265; gnomAD 0.00369; TOPMed 0.00428; ESP Exome Variant Server 0.00459.
gnomAD v4.1: 1,123 of 1,613,840 alleles (0.07%); highest among the groups gnomAD compares: African/African-American, 1.3%; 8 homozygotes.

Submissions (3):

Blueprint Genetics
Classification: Likely benign. Last evaluated: 2024-10-22. Review status: criteria provided, single submitter. Criteria: ACMG Guidelines, 2015. Collection method: clinical testing. Allele origin: germline.

CeGaT Center for Human Genetics Tuebingen
Classification: Likely benign. Last evaluated: 2024-10-01. Review status: criteria provided, single submitter. Criteria: CeGaT Center For Human Genetics Tuebingen Variant Classification Criteria Version 2. Collection method: clinical testing. Allele origin: germline. Affected: yes. Observed: 1 variant allele.
Comment: BLTP1: BP4, BP7, BS1

PreventionGenetics, part of Exact Sciences
Classification: Benign for BLTP1-related condition. Last evaluated: 2019-05-24. Review status: no assertion criteria provided. Collection method: clinical testing. Allele origin: germline. Not counted in ClinVar's aggregate classification.
Comment: This variant is classified as benign based on ACMG/AMP sequence variant interpretation guidelines (Richards et al. 2015 PMID: 25741868, with internal and published modifications).